The following is an entry in ClinVar:

ClinVar aggregate classification (germline): Conflicting classifications of pathogenicity. Review status: criteria provided, conflicting classifications (1 of 4 stars). 9 submissions from 8 submitters: Uncertain significance (1); Benign (7); Likely benign (1). Last evaluated 2026-10-01.

Conditions:
Connective tissue disorder. Also called: Connective tissue disease. Identifiers: MedGen C0009782, MONDO:0003900.
Schwartz-Jampel syndrome. Also called: Myotonic myopathy dwarfism chondrodystrophy and ocular and facial abnormalities. Identifiers: Orphanet 800, MedGen C0036391, MONDO:0009717.
Lethal Kniest-like syndrome (DDSH). Also called: Dyssegmental Dysplasia. Identifiers: Orphanet 1865, MedGen C1857100, MONDO:0009140, OMIM 224410.

Allele frequency attached by ClinVar (database versions not stated): 1000 Genomes Project 30x 0.00203; TOPMed 0.00457; gnomAD 0.00611 and 0.00628; gnomAD exomes 0.00621 and 0.00705; ESP Exome Variant Server 0.00646; ExAC 0.00666; 1000 Genomes Project 0.00180.
gnomAD v4.1: 11,207 of 1,614,212 alleles (0.69%); highest among the groups gnomAD compares: Non-Finnish European, 0.76%; 63 homozygotes.

Submissions (9):

CeGaT Center for Human Genetics Tuebingen
Classification: Likely benign. Last evaluated: 2026-10-01. Review status: criteria provided, single submitter. Criteria: CeGaT Center For Human Genetics Tuebingen Variant Classification Criteria Version 2. Collection method: clinical testing. Allele origin: germline. Affected: yes. Observed: 21 variant alleles.
Comment: HSPG2: BP4, BS2

Labcorp Genetics (formerly Invitae), Labcorp
Classification: Benign. Last evaluated: 2026-02-03. Review status: criteria provided, single submitter. Criteria: Invitae Variant Classification Sherloc (09022015). Collection method: clinical testing. Allele origin: germline.

ARUP Laboratories, Molecular Genetics and Genomics, ARUP Laboratories
Classification: Benign. Last evaluated: 2024-02-09. Review status: criteria provided, single submitter. Criteria: ARUP Molecular Germline Variant Investigation Process 2024. Collection method: clinical testing. Allele origin: germline.

Athena Diagnostics
Classification: Benign. Last evaluated: 2023-12-29. Review status: criteria provided, single submitter. Criteria: Athena Diagnostics Criteria. Collection method: clinical testing. Allele origin: unknown.

Genome Diagnostics Laboratory, The Hospital for Sick Children
Classification: Benign for Connective tissue disorder. Last evaluated: 2021-08-19. Review status: criteria provided, single submitter. Criteria: ACMG Guidelines, 2015. Collection method: clinical testing. Allele origin: germline.

GeneDx
Classification: Benign. Last evaluated: 2021-01-13. Review status: criteria provided, single submitter. Criteria: GeneDx Variant Classification Process June 2021. Collection method: clinical testing. Allele origin: germline. Affected: yes.
Comment: This variant is associated with the following publications: (PMID: 25504735)

Illumina Laboratory Services, Illumina
Classification: Benign for Lethal Kniest-like syndrome. Last evaluated: 2017-04-27. Review status: criteria provided, single submitter. Criteria: ICSL Variant Classification Criteria 13 December 2019. Collection method: clinical testing. Allele origin: germline.
Comment: This variant was observed as part of a predisposition screen in an ostensibly healthy population. A literature search was performed for the gene, cDNA change, and amino acid change (where applicable). Publications were found based on this search. The evidence from the literature, in combination with allele frequency data from public databases where available, was sufficient to rule this variant out of causing disease. Therefore, this variant is classified as benign.

Illumina Laboratory Services, Illumina
Classification: Benign for Schwartz-Jampel syndrome type 1. Last evaluated: 2017-04-27. Review status: criteria provided, single submitter. Criteria: ICSL Variant Classification Criteria 13 December 2019. Collection method: clinical testing. Allele origin: germline.
Comment: the same text as in the submission from Illumina Laboratory Services, Illumina above.

Baylor Genetics
Classification: Uncertain significance for Schwartz Jampel syndrome type 1. Last evaluated: 2015-07-30. Review status: criteria provided, single submitter. Criteria: Yang et al. 2013. Collection method: clinical testing. Allele origin: germline. Inheritance: Autosomal recessive inheritance. Observed: 60 variant alleles, 52 heterozygotes, 8 compound heterozygotes. Study: Adult_WES.
Comment: However, other individuals in our lab with this variant and additional HSPG2 variants (phase undetermined) have not had significant overlap with the syndrome, although if it predisposes to a milder adult-onset version, they may be too young for symptoms.

Literature cited by the submitters: PubMed 26633545 (cited by Athena Diagnostics and Baylor Genetics); PubMed 30646882 (cited by Athena Diagnostics); PubMed 25504735 (cited by 3 submitters).

NM_005529.7(HSPG2):c.2357A>G (p.Asn786Ser)

Gene: HSPG2 (heparan sulfate proteoglycan 2; minus strand). Cytogenetic location: 1p36.12.
Variant type: single nucleotide variant.
Coding change: c.2357A>G on transcript NM_005529.7 (MANE Select); coding-DNA position 2357, A replaced by G.
Protein change: p.Asn786Ser; replaces asparagine 786 with serine.
Molecular consequence: missense variant.
Genome position (GRCh38, 1-based): chr1:21,879,108, T>C on the plus strand (A>G on the coding strand, the complement: HSPG2 is on the minus strand). VCF-style: chr1-21879108-T-C. GRCh37 (hg19) VCF-style: chr1-22205601-T-C.
Other names: c.2360A>G, p.Asn787Ser (NM_001291860.2); short protein forms N786S, N787S.
Identifiers: ClinVar variation 209161 (VCV000209161.63), dbSNP rs143736974, ClinGen allele CA250356.